The following is an entry in ClinVar:

NM_000135.4(FANCA):c.4035C>A (p.Asp1345Glu)

Genes: FANCA (FA complementation group A; minus strand), ZNF276 (zinc finger protein 276; plus strand). Cytogenetic location: 16q24.3.
Variant type: single nucleotide variant.
Coding change: c.4035C>A on transcript NM_000135.4 (MANE Select); coding-DNA position 4035, C replaced by A.
Protein change: p.Asp1345Glu; replaces aspartic acid 1345 with glutamic acid.
Molecular consequence: missense variant. On other transcripts: 3 prime UTR variant (2), non-coding transcript variant (4).
Genome position (GRCh38, 1-based): chr16:89,739,265, G>T on the plus strand (C>A on the coding strand, the complement: FANCA is on the minus strand). VCF-style: chr16-89739265-G-T. GRCh37 (hg19) VCF-style: chr16-89805673-G-T.
Other names: c.4035C>A, p.Asp1345Glu (NM_001286167.3); c.*1019G>T (NM_001113525.2, NM_152287.4); short protein forms D1345E.
Identifiers: ClinVar variation 5036331 (VCV005036331.1).

ClinVar aggregate classification (germline): Uncertain significance (1 of 4 stars; one submission).

Conditions:
Inborn genetic diseases. Identifiers: MedGen C0950123, MeSH D030342.

Submission:

Ambry Genetics
Classification: Uncertain significance for Inborn genetic diseases. Last evaluated: 2026-07-01. Review status: criteria provided, single submitter. Criteria: Ambry Variant Classification Scheme 2023. Collection method: clinical testing. Allele origin: germline.
Comment: The p.D1345E variant (also known as c.4035C>A), located in coding exon 41 of the FANCA gene, results from a C to A substitution at nucleotide position 4035. The aspartic acid at codon 1345 is replaced by glutamic acid, an amino acid with highly similar properties. This amino acid position is conserved. In addition, this alteration is predicted to be tolerated by in silico analysis. Based on the available evidence, the clinical significance of this variant remains unclear.